The following is an entry in ClinVar:

Single allele

Genes: CRYL1 (crystallin lambda 1; minus strand), GJB6 (gap junction protein beta 6; minus strand), MIR4499 (microRNA 4499; minus strand), LOC126861704 (BRD4-independent group 4 enhancer GRCh37_chr13:20953976-20955175; plus strand), LOC126861705 (CDK7 strongly-dependent group 2 enhancer GRCh37_chr13:20993166-20994365; plus strand) and 5 more. Cytogenetic location: 13q12.11.
Variant type: Deletion.
Identifiers: ClinVar variation 4820229 (VCV004820229.1).

ClinVar aggregate classification (germline): Pathogenic (1 of 4 stars; one submission).

Conditions:
Autosomal dominant nonsyndromic hearing loss 3B. Identifiers: Orphanet 90635, MedGen C2675237, MONDO:0012975, OMIM 612643.

Submission:

Mendelics
Classification: Pathogenic for Autosomal dominant nonsyndromic hearing loss 3B. Last evaluated: 2026-03-28. Review status: criteria provided, single submitter. Criteria: ACMG Guidelines, 2015. Collection method: clinical testing. Allele origin: unknown.
Comment: Deletion of gene GJB6.